The following is an entry in ClinVar:

NM_020822.3(KCNT1):c.773G>A (p.Arg258His)

Gene: KCNT1 (potassium sodium-activated channel subfamily T member 1; plus strand). Cytogenetic location: 9q34.3.
Variant type: single nucleotide variant.
Coding change: c.773G>A on transcript NM_020822.3 (MANE Select); coding-DNA position 773, G replaced by A.
Protein change: p.Arg258His; replaces arginine 258 with histidine.
Molecular consequence: missense variant.
Genome position (GRCh38, 1-based): chr9:135,758,427, G>A. VCF-style: chr9-135758427-G-A. GRCh37 (hg19) VCF-style: chr9-138650273-G-A.
Other names: c.629G>A, p.Arg210His (NM_001272003.2); c.773G>A (NM_020822.2); short protein forms R210H, R258H.
Identifiers: ClinVar variation 2935475 (VCV002935475.5), dbSNP rs1172086515, ClinGen allele CA375498074.
Genomic context (GRCh38, chr9:135,758,427, plus strand): 5'-CGGGGTCCACAGTCCCTGCCCGCTGACAGCCACCACTCCTTCCACAGAATGACTTCCACC[G>A]TGCCATCCTGCGGACACAGTCAGCCATGTTCAACCAGGTCCTCATCCTCTTCTGCACCCT-3'
Protein context (NP_065873.2, residues 248-268): ALENMINDFH[Arg258His]AILRTQSAMF

ClinVar aggregate classification (germline): Conflicting classifications of pathogenicity. Review status: criteria provided, conflicting classifications (1 of 4 stars). 2 submissions from 2 submitters: Likely pathogenic (1); Uncertain significance (1). Last evaluated 2026-02-16.

Conditions:
Autosomal dominant nocturnal frontal lobe epilepsy 5. Also called: Epilepsy, nocturnal frontal lobe, 5; CILIARY DYSKINESIA, PRIMARY, 28, WITHOUT SITUS INVERSUS; CILIARY DYSKINESIA, PRIMARY, 28, WITH SITUS INVERSUS; KCNT1-Related Epilepsy. Identifiers: Orphanet 98784, MedGen C3554306, MONDO:0014002, OMIM 615005.
Developmental and epileptic encephalopathy, 14 (DEE14). Also called: Early infantile epileptic encephalopathy 14. Identifiers: Orphanet 293181, MedGen C3554195, MONDO:0013989, OMIM 614959.
Malignant migrating partial seizures of infancy. Identifiers: Orphanet 293181, MedGen CN262433, MONDO:0017385.

Allele frequency attached by ClinVar (database versions not stated): gnomAD exomes below 0.00001; TOPMed below 0.00001.

Submissions (2):

Genetics and Genomic Medicine Centre, NeuroGen Healthcare, NeuroGen Healthcare
Classification: Likely pathogenic for Autosomal dominant nocturnal frontal lobe epilepsy 5. Last evaluated: 2026-02-16. Review status: criteria provided, single submitter. Criteria: ACMG Guidelines, 2015. Collection method: clinical testing. Allele origin: unknown. Affected: yes.

Labcorp Genetics (formerly Invitae), Labcorp
Classification: Uncertain significance for Autosomal dominant nocturnal frontal lobe epilepsy 5; Developmental and epileptic encephalopathy, 14. Last evaluated: 2025-05-22. Review status: criteria provided, single submitter. Criteria: Invitae Variant Classification Sherloc (09022015). Collection method: clinical testing. Allele origin: germline.
Comment: This sequence change replaces arginine, which is basic and polar, with histidine, which is basic and polar, at codon 258 of the KCNT1 protein (p.Arg258His). This variant is present in population databases (no rsID available, gnomAD no frequency). This variant has not been reported in the literature in individuals affected with KCNT1-related conditions. ClinVar contains an entry for this variant (Variation ID: 2935475). Invitae Evidence Modeling of protein sequence and biophysical properties (such as structural, functional, and spatial information, amino acid conservation, physicochemical variation, residue mobility, and thermodynamic stability) indicates that this missense variant is expected to disrupt KCNT1 protein function with a positive predictive value of 80%. In summary, the available evidence is currently insufficient to determine the role of this variant in disease. Therefore, it has been classified as a Variant of Uncertain Significance.